The following is an entry in ClinVar:

ClinVar aggregate classification (germline): Uncertain significance (1 of 4 stars; one submission).

Submission:

Labcorp Genetics (formerly Invitae), Labcorp
Classification: Uncertain significance. Last evaluated: 2025-05-12. Review status: criteria provided, single submitter. Criteria: Invitae Variant Classification Sherloc (09022015). Collection method: clinical testing. Allele origin: germline.
Comment: This sequence change replaces leucine, which is neutral and non-polar, with serine, which is neutral and polar, at codon 597 of the IARS2 protein (p.Leu597Ser). This variant is not present in population databases (gnomAD no frequency). This variant has not been reported in the literature in individuals affected with IARS2-related conditions. ClinVar contains an entry for this variant (Variation ID: 2088930). An algorithm developed to predict the effect of missense changes on protein structure and function (PolyPhen-2) suggests that this variant is likely to be disruptive. In summary, the available evidence is currently insufficient to determine the role of this variant in disease. Therefore, it has been classified as a Variant of Uncertain Significance.

NM_018060.4(IARS2):c.1790T>C (p.Leu597Ser)

Gene: IARS2 (isoleucyl-tRNA synthetase 2, mitochondrial; plus strand). Cytogenetic location: 1q41.
Variant type: single nucleotide variant.
Coding change: c.1790T>C on transcript NM_018060.4 (MANE Select); coding-DNA position 1790, T replaced by C.
Protein change: p.Leu597Ser; replaces leucine 597 with serine.
Molecular consequence: missense variant.
Genome position (GRCh38, 1-based): chr1:220,126,796, T>C. VCF-style: chr1-220126796-T-C. GRCh37 (hg19) VCF-style: chr1-220300138-T-C.
Other names: short protein forms L597S.
Identifiers: ClinVar variation 2088930 (VCV002088930.4), dbSNP rs2528552472, ClinGen allele CA344639742.